The following is an entry in ClinVar:

ClinVar aggregate classification (germline): Uncertain significance (1 of 4 stars; one submission).

Submission:

Labcorp Genetics (formerly Invitae), Labcorp
Classification: Uncertain significance. Last evaluated: 2025-03-17. Review status: criteria provided, single submitter. Criteria: Invitae Variant Classification Sherloc (09022015). Collection method: clinical testing. Allele origin: germline.
Comment: This sequence change replaces leucine, which is neutral and non-polar, with arginine, which is basic and polar, at codon 222 of the PDZD7 protein (p.Leu222Arg). This variant is not present in population databases (gnomAD no frequency). This variant has not been reported in the literature in individuals affected with PDZD7-related conditions. ClinVar contains an entry for this variant (Variation ID: 1057765). Invitae Evidence Modeling of protein sequence and biophysical properties (such as structural, functional, and spatial information, amino acid conservation, physicochemical variation, residue mobility, and thermodynamic stability) indicates that this missense variant is not expected to disrupt PDZD7 protein function with a negative predictive value of 80%. In summary, the available evidence is currently insufficient to determine the role of this variant in disease. Therefore, it has been classified as a Variant of Uncertain Significance.

NM_001195263.2(PDZD7):c.665T>G (p.Leu222Arg)

Gene: PDZD7 (PDZ domain containing 7; minus strand). Cytogenetic location: 10q24.31.
Variant type: single nucleotide variant.
Coding change: c.665T>G on transcript NM_001195263.2 (MANE Select); coding-DNA position 665, T replaced by G.
Protein change: p.Leu222Arg; replaces leucine 222 with arginine.
Molecular consequence: missense variant.
Genome position (GRCh38, 1-based): chr10:101,022,263, A>C on the plus strand (T>G on the coding strand, the complement: PDZD7 is on the minus strand). VCF-style: chr10-101022263-A-C. GRCh37 (hg19) VCF-style: chr10-102782020-A-C.
Other names: c.665T>G, p.Leu222Arg (NM_001351044.2, NM_024895.5); short protein forms L222R.
Identifiers: ClinVar variation 1057765 (VCV001057765.10), dbSNP rs2134088582, ClinGen allele CA378230204.